The following is an entry in ClinVar:

ClinVar aggregate classification (germline): Uncertain significance (1 of 4 stars; one submission).

Submission:

Labcorp Genetics (formerly Invitae), Labcorp
Classification: Uncertain significance. Last evaluated: 2024-01-22. Review status: criteria provided, single submitter. Criteria: Invitae Variant Classification Sherloc (09022015). Collection method: clinical testing. Allele origin: germline.
Comment: This sequence change replaces alanine, which is neutral and non-polar, with valine, which is neutral and non-polar, at codon 366 of the CACNA1E protein (p.Ala366Val). This variant is not present in population databases (gnomAD no frequency). This variant has not been reported in the literature in individuals affected with CACNA1E-related conditions. Advanced modeling of protein sequence and biophysical properties (such as structural, functional, and spatial information, amino acid conservation, physicochemical variation, residue mobility, and thermodynamic stability) has been performed at Invitae for this missense variant, however the output from this modeling did not meet the statistical confidence thresholds required to predict the impact of this variant on CACNA1E protein function. In summary, the available evidence is currently insufficient to determine the role of this variant in disease. Therefore, it has been classified as a Variant of Uncertain Significance.

NM_001205293.3(CACNA1E):c.1097C>T (p.Ala366Val)

Gene: CACNA1E (calcium voltage-gated channel subunit alpha1 E; plus strand). Cytogenetic location: 1q25.3.
Variant type: single nucleotide variant.
Coding change: c.1097C>T on transcript NM_001205293.3 (MANE Select); coding-DNA position 1097, C replaced by T.
Protein change: p.Ala366Val; replaces alanine 366 with valine.
Molecular consequence: missense variant.
Genome position (GRCh38, 1-based): chr1:181,710,995, C>T. VCF-style: chr1-181710995-C-T. GRCh37 (hg19) VCF-style: chr1-181680131-C-T.
Other names: c.1097C>T, p.Ala366Val (NM_000721.4, NM_001205294.2); short protein forms A366V.
Identifiers: ClinVar variation 2710807 (VCV002710807.3), dbSNP rs2528443267, ClinGen allele CA343622974.